The following is an entry in ClinVar:

NM_004247.4(EFTUD2):c.1474G>A (p.Ala492Thr)

Gene: EFTUD2 (elongation factor Tu GTP binding domain containing 2; minus strand). Cytogenetic location: 17q21.31.
Variant type: single nucleotide variant.
Coding change: c.1474G>A on transcript NM_004247.4 (MANE Select); coding-DNA position 1474, G replaced by A.
Protein change: p.Ala492Thr; replaces alanine 492 with threonine.
Molecular consequence: missense variant.
Genome position (GRCh38, 1-based): chr17:44,862,846, C>T on the plus strand (G>A on the coding strand, the complement: EFTUD2 is on the minus strand). VCF-style: chr17-44862846-C-T. GRCh37 (hg19) VCF-style: chr17-42940214-C-T.
Other names: c.1369G>A, p.Ala457Thr (NM_001142605.2); c.1474G>A, p.Ala492Thr (NM_001258353.2); c.1444G>A, p.Ala482Thr (NM_001258354.2); short protein forms A457T, A482T, A492T.
Identifiers: ClinVar variation 4693416 (VCV004693416.1).

ClinVar aggregate classification (germline): Uncertain significance (1 of 4 stars; one submission).

gnomAD v4.1: 5 of 1,614,046 alleles (0.00031%); highest among the groups gnomAD compares: Non-Finnish European, 0.000085%; no homozygotes.

Submission:

Labcorp Genetics (formerly Invitae), Labcorp
Classification: Uncertain significance. Last evaluated: 2025-12-20. Review status: criteria provided, single submitter. Criteria: Invitae Variant Classification Sherloc (09022015). Collection method: clinical testing. Allele origin: germline.
Comment: This sequence change replaces alanine, which is neutral and non-polar, with threonine, which is neutral and polar, at codon 492 of the EFTUD2 protein (p.Ala492Thr). This variant is present in population databases (rs759613857, gnomAD 0.004%). This variant has not been reported in the literature in individuals affected with EFTUD2-related conditions. Invitae Evidence Modeling of protein sequence and biophysical properties (such as structural, functional, and spatial information, amino acid conservation, physicochemical variation, residue mobility, and thermodynamic stability) indicates that this missense variant is expected to disrupt EFTUD2 protein function with a positive predictive value of 80%. In summary, the available evidence is currently insufficient to determine the role of this variant in disease. Therefore, it has been classified as a Variant of Uncertain Significance.